The following is an entry in ClinVar:

ClinVar aggregate classification (germline): Uncertain significance (1 of 4 stars; one submission).

Allele frequency attached by ClinVar (database versions not stated): gnomAD exomes below 0.00001; gnomAD 0.00002; TOPMed 0.00003.
gnomAD v4.1: 7 of 1,613,958 alleles (0.00043%); highest among the groups gnomAD compares: African/African-American, 0.0093%; no homozygotes.

Submission:

Ambry Genetics
Classification: Uncertain significance. Last evaluated: 2023-11-23. Review status: criteria provided, single submitter. Criteria: Ambry Variant Classification Scheme 2023. Collection method: clinical testing. Allele origin: germline.
Comment: The p.R663G variant (also known as c.1987A>G), located in coding exon 10 of the PALLD gene, results from an A to G substitution at nucleotide position 1987. The arginine at codon 663 is replaced by glycine, an amino acid with dissimilar properties. This amino acid position is conserved. In addition, the in silico prediction for this alteration is inconclusive. Since supporting evidence is limited at this time, the clinical significance of this alteration remains unclear.

NM_001166108.2(PALLD):c.1987A>G (p.Arg663Gly)

Gene: PALLD (palladin, cytoskeletal associated protein; plus strand). Cytogenetic location: 4q32.3.
Variant type: single nucleotide variant.
Coding change: c.1987A>G on transcript NM_001166108.2 (MANE Select); coding-DNA position 1987, A replaced by G.
Protein change: p.Arg663Gly; replaces arginine 663 with glycine.
Molecular consequence: missense variant. On other transcripts: 5 prime UTR variant (4).
Genome position (GRCh38, 1-based): chr4:168,890,944, A>G. VCF-style: chr4-168890944-A-G. GRCh37 (hg19) VCF-style: chr4-169812095-A-G.
Other names: c.841A>G, p.Arg281Gly (NM_001166109.2); c.526A>G, p.Arg176Gly (NM_001166110.2); c.-135A>G (NM_001367567.1, NM_001367568.1, NM_001367569.1 and 1 more transcripts); c.1987A>G, p.Arg663Gly (NM_016081.4); short protein forms R176G, R663G, R281G.
Identifiers: ClinVar variation 1783883 (VCV001783883.2), dbSNP rs1337760063, ClinGen allele CA358797098.